The following is an entry in ClinVar:

NM_004991.4(MECOM):c.1468A>G (p.Ser490Gly)

Gene: MECOM (MDS1 and EVI1 complex locus; minus strand). Cytogenetic location: 3q26.2.
Variant type: single nucleotide variant.
Coding change: c.1468A>G on transcript NM_004991.4 (MANE Select); coding-DNA position 1468, A replaced by G.
Protein change: p.Ser490Gly; replaces serine 490 with glycine.
Molecular consequence: missense variant. On other transcripts: intron variant (2).
Genome position (GRCh38, 1-based): chr3:169,116,404, T>C on the plus strand (A>G on the coding strand, the complement: MECOM is on the minus strand). VCF-style: chr3-169116404-T-C. GRCh37 (hg19) VCF-style: chr3-168834192-T-C.
Other names: c.1099A>G, p.Ser367Gly (NM_001105077.4); c.904A>G, p.Ser302Gly (NM_001105078.4, NM_001164000.2, NM_001205194.2 and 4 more transcripts); c.907A>G, p.Ser303Gly (NM_001163999.2, NM_001366467.2, NM_001366468.2 and 1 more transcripts); c.1468A>G, p.Ser490Gly (NM_001366466.2); c.1133-637A>G (NM_001366473.2); c.569-637A>G (NM_001366474.2); short protein forms S490G, S367G, S302G, S303G.
Identifiers: ClinVar variation 3871626 (VCV003871626.1).
Genomic context (GRCh38, chr3:169,116,404, plus strand): 5'-AACTAGCAGGTATCAAAGGAGGCCTGTGGTACAAGCCGGAAGGAAACAGACCAGGGAAGC[T>C]AAAAGAAAATCCAGGAGCTGTTGGAAAGGTAAGACCAGCAGGATGCCTATTGGCGCCAAA-3'
Protein context (NP_004982.2, residues 480-500): TFPTAPGFSF[Ser490Gly]FPGLFPSGLY

ClinVar aggregate classification (germline): Uncertain significance (1 of 4 stars; one submission).

Conditions:
Inborn genetic diseases. Identifiers: MedGen C0950123, MeSH D030342.

Submission:

Ambry Genetics
Classification: Uncertain significance for Inborn genetic diseases. Last evaluated: 2024-12-19. Review status: criteria provided, single submitter. Criteria: Ambry Variant Classification Scheme 2023. Collection method: clinical testing. Allele origin: germline.
Comment: The p.S490G variant (also known as c.1468A>G), located in coding exon 8 of the MECOM gene, results from an A to G substitution at nucleotide position 1468. The serine at codon 490 is replaced by glycine, an amino acid with similar properties. This amino acid position is conserved. In addition, this alteration is predicted to be tolerated by in silico analysis. Based on the available evidence, the clinical significance of this variant remains unclear.